The following is an entry in ClinVar:

ClinVar aggregate classification (germline): Uncertain significance (1 of 4 stars; one submission).

Submission:

Women's Health and Genetics/Laboratory Corporation of America, LabCorp
Classification: Uncertain significance. Last evaluated: 2026-05-22. Review status: criteria provided, single submitter. Criteria: LabCorp Variant Classification Summary - May 2015. Collection method: clinical testing. Allele origin: germline.
Comment: Variant summary: NSD1 c.4603C>T (p.Arg1535Cys) results in a non-conservative amino acid change in the encoded protein sequence. Algorithms developed to predict the effect of missense changes on protein structure and function all suggest that this variant is likely to be disruptive. The variant was absent in 250926 control chromosomes. The available data on variant occurrences in the general population are insufficient to allow any conclusion about variant significance. To our knowledge, no occurrence of c.4603C>T in individuals affected with NSD1-related conditions and no experimental evidence demonstrating its impact on protein function have been reported. No submitters have cited clinical-significance assessments for this variant to ClinVar. Based on the evidence outlined above, the variant was classified as uncertain significance.

NM_022455.5(NSD1):c.4603C>T (p.Arg1535Cys)

Gene: NSD1 (nuclear receptor binding SET domain protein 1; plus strand). Cytogenetic location: 5q35.3.
Variant type: single nucleotide variant.
Coding change: c.4603C>T on transcript NM_022455.5 (MANE Select); coding-DNA position 4603, C replaced by T.
Protein change: p.Arg1535Cys; replaces arginine 1535 with cysteine.
Molecular consequence: missense variant.
Genome position (GRCh38, 1-based): chr5:177,248,286, C>T. VCF-style: chr5-177248286-C-T. GRCh37 (hg19) VCF-style: chr5-176675287-C-T.
Other names: c.3730C>T, p.Arg1244Cys (NM_001365684.2, NM_001409306.1, NM_001409307.1 and 3 more transcripts); c.4603C>T, p.Arg1535Cys (NM_001409301.1, NM_001409302.1, NM_001409303.1); c.4183C>T, p.Arg1395Cys (NM_001409304.1); c.3850C>T, p.Arg1284Cys (NM_001409305.1); short protein forms R1244C, R1284C, R1395C, R1535C.
Identifiers: ClinVar variation 4853707 (VCV004853707.1).